The following is an entry in ClinVar:

NM_000059.4(BRCA2):c.5572del (p.Thr1858fs)

Gene: BRCA2 (BRCA2 DNA repair associated; plus strand). Cytogenetic location: 13q13.1.
Variant type: Deletion.
Coding change: c.5572del on transcript NM_000059.4 (MANE Select); coding-DNA position 5572, one base deleted (A; older notation c.5572delA).
Protein change: p.Thr1858fs; shifts the reading frame from threonine 1858.
Molecular consequence: frameshift variant. On other transcripts: non-coding transcript variant (1), intron variant (2).
Genome position (GRCh38, 1-based): chr13:32,339,927, A deleted; the last of 3 consecutive A bases (chr13:32,339,925-32,339,927); deleting any one gives the same sequence. VCF-style (leftmost placement, unchanged base first): chr13-32339924-GA-G. GRCh37 (hg19) VCF-style: chr13-32914061-GA-G.
Other names: c.5572del, p.Thr1858fs (NM_001406719.1, NM_001406720.1, NM_001432077.1); c.1910-4631del (NM_001406721.1); c.425-4631del (NM_001406722.1); short protein forms T1858fs.
Identifiers: ClinVar variation 3894311 (VCV003894311.1).
Genomic context (GRCh38, chr13:32,339,924, plus strand): 5'-TTTGAGGTAGGGCCACCTGCATTTAGGATAGCCAGTGGTAAAATCGTTTGTGTTTCACAT[GA>G]AACAATTAAAAAAGTGAAAGACATATTTACAGACAGTTTCAGTAAAGTAATTAAGGAAAA-3'

ClinVar aggregate classification (germline): Pathogenic (1 of 4 stars; one submission).

Conditions:
Hereditary cancer-predisposing syndrome. Also called: Neoplastic Syndromes, Hereditary; Tumor predisposition; Hereditary Cancer Syndrome; Hereditary neoplastic syndrome. Identifiers: Orphanet 140162, MedGen C0027672, MeSH D009386, MONDO:0015356.

Submission:

Color Diagnostics, LLC DBA Color Health
Classification: Pathogenic for Hereditary cancer-predisposing syndrome. Last evaluated: 2024-03-18. Review status: criteria provided, single submitter. Criteria: ACMG Guidelines, 2015. Collection method: clinical testing. Allele origin: germline.
Comment: This variant deletes 1 nucleotide in exon 11 of the BRCA2 gene, creating a frameshift and premature translation stop signal. This variant is expected to result in an absent or non-functional protein product. To our knowledge, this variant has not been reported in individuals affected with BRCA2-related disorders in the literature. This variant has not been identified in the general population by the Genome Aggregation Database (gnomAD). Loss of BRCA2 function is a known mechanism of disease. Based on the available evidence, this variant is classified as Pathogenic.